The following is an entry in ClinVar:

NM_138927.4(SON):c.1925C>T (p.Pro642Leu)

Gene: SON (SON DNA and RNA binding protein; plus strand). Cytogenetic location: 21q22.11.
Variant type: single nucleotide variant.
Coding change: c.1925C>T on transcript NM_138927.4 (MANE Select); coding-DNA position 1925, C replaced by T.
Protein change: p.Pro642Leu; replaces proline 642 with leucine.
Molecular consequence: missense variant. On other transcripts: non-coding transcript variant (1), intron variant (1).
Genome position (GRCh38, 1-based): chr21:33,551,156, C>T. VCF-style: chr21-33551156-C-T. GRCh37 (hg19) VCF-style: chr21-34923462-C-T.
Other names: c.1925C>T, p.Pro642Leu (NM_001291411.2, NM_032195.3); c.244+4777C>T (NM_001291412.3); short protein forms P642L.
Identifiers: ClinVar variation 3611817 (VCV003611817.2).

ClinVar aggregate classification (germline): Uncertain significance (1 of 4 stars; one submission).

gnomAD v4.1: 4 of 1,613,778 alleles (0.00025%); highest among the groups gnomAD compares: Non-Finnish European, 0.00017%; no homozygotes.

Submission:

Labcorp Genetics (formerly Invitae), Labcorp
Classification: Uncertain significance. Last evaluated: 2024-04-16. Review status: criteria provided, single submitter. Criteria: Invitae Variant Classification Sherloc (09022015). Collection method: clinical testing. Allele origin: germline.
Comment: This sequence change replaces proline, which is neutral and non-polar, with leucine, which is neutral and non-polar, at codon 642 of the SON protein (p.Pro642Leu). This variant is present in population databases (rs761348471, gnomAD no frequency). This variant has not been reported in the literature in individuals affected with SON-related conditions. An algorithm developed to predict the effect of missense changes on protein structure and function (PolyPhen-2) suggests that this variant is likely to be disruptive. In summary, the available evidence is currently insufficient to determine the role of this variant in disease. Therefore, it has been classified as a Variant of Uncertain Significance.